The following is an entry in ClinVar:

ClinVar aggregate classification (germline): Uncertain significance (1 of 4 stars; one submission).

Submission:

Labcorp Genetics (formerly Invitae), Labcorp
Classification: Uncertain significance. Last evaluated: 2023-07-17. Review status: criteria provided, single submitter. Criteria: Invitae Variant Classification Sherloc (09022015). Collection method: clinical testing. Allele origin: germline.
Comment: This variant is not present in population databases (gnomAD no frequency). This sequence change replaces aspartic acid, which is acidic and polar, with histidine, which is basic and polar, at codon 1386 of the DMXL2 protein (p.Asp1386His). This variant has not been reported in the literature in individuals affected with DMXL2-related conditions. In summary, the available evidence is currently insufficient to determine the role of this variant in disease. Therefore, it has been classified as a Variant of Uncertain Significance. An algorithm developed to predict the effect of missense changes on protein structure and function (PolyPhen-2) suggests that this variant is likely to be disruptive. ClinVar contains an entry for this variant (Variation ID: 1496115).

NM_001378457.1(DMXL2):c.4156G>C (p.Asp1386His)

Gene: DMXL2 (Dmx like 2; minus strand). Cytogenetic location: 15q21.2.
Variant type: single nucleotide variant.
Coding change: c.4156G>C on transcript NM_001378457.1 (MANE Select); coding-DNA position 4156, G replaced by C.
Protein change: p.Asp1386His; replaces aspartic acid 1386 with histidine.
Molecular consequence: missense variant. On other transcripts: non-coding transcript variant (2), intron variant (2).
Genome position (GRCh38, 1-based): chr15:51,499,068, C>G on the plus strand (G>C on the coding strand, the complement: DMXL2 is on the minus strand). VCF-style: chr15-51499068-C-G. GRCh37 (hg19) VCF-style: chr15-51791265-C-G.
Other names: c.4156G>C, p.Asp1386His (NM_001174116.3, NM_001378458.1, NM_001378459.1 and 4 more transcripts); c.3916G>C, p.Asp1306His (NM_001378464.1); c.2765-7321G>C (NM_001378460.1); c.2765-3934G>C (NM_001174117.3); short protein forms D1306H, D1386H.
Identifiers: ClinVar variation 1496115 (VCV001496115.5), dbSNP rs753387419, ClinGen allele CA392432652.